The following is an entry in ClinVar:

ClinVar aggregate classification (germline): Uncertain significance (1 of 4 stars; one submission).

Conditions:
Nemaline myopathy 5 (NEM5A). Also called: NEMALINE MYOPATHY, AMISH TYPE; NEMALINE MYOPATHY 5A, AUTOSOMAL RECESSIVE, SEVERE INFANTILE; Nemaline myopathy 5, Amish type. Identifiers: Orphanet 98902, MedGen C1854380, MONDO:0011539, OMIM 605355.

Submission:

Labcorp Genetics (formerly Invitae), Labcorp
Classification: Uncertain significance for Nemaline myopathy 5. Last evaluated: 2024-02-17. Review status: criteria provided, single submitter. Criteria: Invitae Variant Classification Sherloc (09022015). Collection method: clinical testing. Allele origin: germline.
Comment: This sequence change replaces glutamic acid, which is acidic and polar, with lysine, which is basic and polar, at codon 101 of the TNNT1 protein (p.Glu101Lys). This variant is not present in population databases (gnomAD no frequency). This variant has not been reported in the literature in individuals affected with TNNT1-related conditions. Advanced modeling of protein sequence and biophysical properties (such as structural, functional, and spatial information, amino acid conservation, physicochemical variation, residue mobility, and thermodynamic stability) performed at Invitae indicates that this missense variant is not expected to disrupt TNNT1 protein function with a negative predictive value of 80%. In summary, the available evidence is currently insufficient to determine the role of this variant in disease. Therefore, it has been classified as a Variant of Uncertain Significance.

NM_003283.6(TNNT1):c.301G>A (p.Glu101Lys)

Gene: TNNT1 (troponin T1, slow skeletal type; minus strand). Cytogenetic location: 19q13.42.
Variant type: single nucleotide variant.
Coding change: c.301G>A on transcript NM_003283.6 (MANE Select); coding-DNA position 301, G replaced by A.
Protein change: p.Glu101Lys; replaces glutamic acid 101 with lysine.
Molecular consequence: missense variant.
Genome position (GRCh38, 1-based): chr19:55,141,194, C>T on the plus strand (G>A on the coding strand, the complement: TNNT1 is on the minus strand). VCF-style: chr19-55141194-C-T. GRCh37 (hg19) VCF-style: chr19-55652562-C-T.
Other names: c.301G>A, p.Glu101Lys (NM_001126132.3); c.268G>A, p.Glu90Lys (NM_001126133.3, NM_001291774.2); short protein forms E101K, E90K.
Identifiers: ClinVar variation 2719610 (VCV002719610.3), dbSNP rs2515443743, ClinGen allele CA407435186.